The following is an entry in ClinVar:

NM_022463.5(NXN):c.618G>A (p.Pro206=)

Gene: NXN (nucleoredoxin; minus strand). Cytogenetic location: 17p13.3.
Variant type: single nucleotide variant.
Coding change: c.618G>A on transcript NM_022463.5 (MANE Select); coding-DNA position 618, G replaced by A.
Protein change: p.Pro206=; no amino-acid change (proline 206 retained).
Molecular consequence: synonymous variant.
Genome position (GRCh38, 1-based): chr17:822,452, C>T on the plus strand (G>A on the coding strand, the complement: NXN is on the minus strand). VCF-style: chr17-822452-C-T. GRCh37 (hg19) VCF-style: chr17-725692-C-T.
Other names: c.294G>A, p.Pro98= (NM_001205319.1); c.618G>A (NM_022463.4).
Identifiers: ClinVar variation 1671182 (VCV001671182.10), dbSNP rs186217624, ClinGen allele CA8264145.
Genomic context (GRCh38, chr17:822,452, plus strand): 5'-GCCTGCCTCCTTGATCTTCCGGTAGGATTCCACCAGGACCCGGGTGAGGCTTCGGCAGGG[C>T]GGACACTGAAAGACAGGACAGCAAGACCCGCTGCGTCACGCTGCTTCTCCACCTCCCAGC-3'
Protein context (NP_071908.2, residues 196-216): VGVYFSAHWC[Pro206=]PCRSLTRVLV

ClinVar aggregate classification (germline): Likely benign. Review status: criteria provided, single submitter (1 of 4 stars). 2 submissions from 2 submitters: Likely benign (1). 1 of the submissions does not count toward it. Last evaluated 2026-01-12.

Conditions:
NXN-related disorder. Also called: NXN-related condition.

Allele frequency attached by ClinVar (database versions not stated): gnomAD exomes 0.00004 and 0.00009; ExAC 0.00009; gnomAD 0.00031 and 0.00032; TOPMed 0.00078; 1000 Genomes Project 0.00160; 1000 Genomes Project 30x 0.00172.
gnomAD v4.1: 134 of 1,613,308 alleles (0.0083%); highest among the groups gnomAD compares: Admixed American, 0.13%; 1 homozygote.

Submissions (2):

Labcorp Genetics (formerly Invitae), Labcorp
Classification: Likely benign. Last evaluated: 2026-01-12. Review status: criteria provided, single submitter. Criteria: Invitae Variant Classification Sherloc (09022015). Collection method: clinical testing. Allele origin: germline.

PreventionGenetics, part of Exact Sciences
Classification: Likely benign for NXN-related condition. Last evaluated: 2019-02-25. Review status: no assertion criteria provided. Collection method: clinical testing. Allele origin: germline. Not counted in ClinVar's aggregate classification.
Comment: This variant is classified as likely benign based on ACMG/AMP sequence variant interpretation guidelines (Richards et al. 2015 PMID: 25741868, with internal and published modifications).